The following is an entry in ClinVar:

NM_022132.5(MCCC2):c.175C>T (p.Arg59Ter)

Gene: MCCC2 (methylcrotonyl-CoA carboxylase subunit 2; plus strand). Cytogenetic location: 5q13.2.
Variant type: single nucleotide variant.
Coding change: c.175C>T on transcript NM_022132.5 (MANE Select); coding-DNA position 175, C replaced by T.
Protein change: p.Arg59Ter; replaces arginine 59 with a stop codon.
Molecular consequence: nonsense.
Genome position (GRCh38, 1-based): chr5:71,592,971, C>T. VCF-style: chr5-71592971-C-T. GRCh37 (hg19) VCF-style: chr5-70888798-C-T.
Other names: c.175C>T, p.Arg59Ter (NM_001363147.1); short protein forms R59*.
Identifiers: ClinVar variation 948935 (VCV000948935.16), dbSNP rs760881963, ClinGen allele CA3297680.

ClinVar aggregate classification (germline): Pathogenic/Likely pathogenic. Review status: criteria provided, multiple submitters, no conflicts (2 of 4 stars). 6 submissions from 6 submitters: Pathogenic (3); Likely pathogenic (3). Last evaluated 2026-08-18.

Conditions:
3-methylcrotonyl-CoA carboxylase 2 deficiency. Also called: 3 alpha methylcrotonyl-CoA carboxylase 2 deficiency; 3 alpha methylcrotonylglycinuria 2; MCC 2 deficiency; Methylcrotonylglycinuria type 2; METHYLCROTONYLGLYCINURIA, TYPE II. Identifiers: Orphanet 6, MedGen C1859499, MONDO:0008862, OMIM 210210.
MCCC2-related disorder. Also called: MCCC2-related condition.

Allele frequency attached by ClinVar (database versions not stated): ExAC 0.00003; TOPMed below 0.00001; gnomAD 0.00001.
gnomAD v4.1: 25 of 1,612,682 alleles (0.0016%); highest among the groups gnomAD compares: Admixed American, 0.005%; no homozygotes.

Submissions (6):

PreventionGenetics, part of Exact Sciences
Classification: Likely pathogenic for MCCC2-related condition. Last evaluated: 2026-08-18. Review status: criteria provided, single submitter. Criteria: ACMG Guidelines, 2015. Collection method: clinical testing. Allele origin: germline.
Comment: The MCCC2 c.175C>T variant is predicted to result in premature protein termination (p.Arg59*). This variant has been observed along with a second MCCC2 variant or in the homozygous state in individuals with newborn screen results suggestive of 3-methylcrotonyl-CoA carboxylase deficiency (3-MCCD) (Cheng et al. 2023. PubMed ID: 36822454; Internal Data, PreventionGenetics). This variant is reported in 0.016% of alleles in individuals of European (Finnish) descent in gnomAD and is interpreted as likely pathogenic/pathogenic in ClinVar (Variation ID: 948935). Nonsense variants in MCCC2 are expected to be pathogenic. This variant is interpreted as likely pathogenic.

Natera, Inc.
Classification: Likely pathogenic for 3-methylcrotonyl-CoA carboxylase 2 deficiency. Last evaluated: 2025-11-10. Review status: criteria provided, single submitter. Criteria: Natera Variant Classification Schema (03/2026). Collection method: clinical testing. Allele origin: germline.
Comment: The c.175C>T variant in MCCC2 is a nonsense variant predicted to introduce a stop codon at amino acid 59. This variant is expected to result in nonsense mediated decay, truncation, or a dysfunctional protein product. This variant is rare in the general population with a frequency below the threshold expected for the associated phenotype(s). Given the available evidence, this variant is classified as Likely Pathogenic.

Labcorp Genetics (formerly Invitae), Labcorp
Classification: Pathogenic for 3-methylcrotonyl-CoA carboxylase 2 deficiency. Last evaluated: 2024-12-24. Review status: criteria provided, single submitter. Criteria: Invitae Variant Classification Sherloc (09022015). Collection method: clinical testing. Allele origin: germline.
Comment: This sequence change creates a premature translational stop signal (p.Arg59*) in the MCCC2 gene. It is expected to result in an absent or disrupted protein product. Loss-of-function variants in MCCC2 are known to be pathogenic (PMID: 11181649, 22642865). This variant is present in population databases (rs760881963, gnomAD 0.01%). This variant has not been reported in the literature in individuals affected with MCCC2-related conditions. ClinVar contains an entry for this variant (Variation ID: 948935). For these reasons, this variant has been classified as Pathogenic.

Myriad Genetics, Inc.
Classification: Pathogenic for 3-methylcrotonyl-CoA carboxylase 2 deficiency. Last evaluated: 2024-05-25. Review status: criteria provided, single submitter. Criteria: Myriad Autosomal Dominant, Autosomal Recessive and X-Linked Classification Criteria (2023). Collection method: clinical testing. Allele origin: unknown.
Comment: NM_022132.4(MCCC2):c.175C>T(R59*) is expected to be pathogenic in the context of 3-methylcrotonyl-CoA carboxylase deficiency, MCCC2-related. This variant is predicted to lead to an abnormal or absent protein product due to the creation of a premature termination codon in MCCC2, a gene where loss-of-function variants are known to be pathogenic. Please note: this variant was assessed in the context of healthy population screening.

Genomic Medicine Center of Excellence, King Faisal Specialist Hospital and Research Centre
Classification: Pathogenic for 3-methylcrotonyl-CoA carboxylase 2 deficiency. Last evaluated: 2024-03-26. Review status: criteria provided, single submitter. Criteria: ACMG Guidelines, 2015. Collection method: clinical testing. Allele origin: germline.

Fulgent Genetics
Classification: Likely pathogenic for 3-methylcrotonyl-CoA carboxylase 2 deficiency. Last evaluated: 2024-01-24. Review status: criteria provided, single submitter. Criteria: ACMG Guidelines, 2015. Collection method: clinical testing. Allele origin: germline.

Literature cited by the submitters: PubMed 11181649 (cited by Labcorp Genetics (formerly Invitae), Labcorp); PubMed 22642865 (cited by Labcorp Genetics (formerly Invitae), Labcorp).